The following is an entry in ClinVar:

ClinVar aggregate classification (germline): Uncertain significance (1 of 4 stars; one submission).

gnomAD v4.1: 1 of 1,613,312 alleles (0.000062%); highest among the groups gnomAD compares: Non-Finnish European, 0.000085%; no homozygotes.

Submission:

Labcorp Genetics (formerly Invitae), Labcorp
Classification: Uncertain significance. Last evaluated: 2022-09-11. Review status: criteria provided, single submitter. Criteria: Invitae Variant Classification Sherloc (09022015). Collection method: clinical testing. Allele origin: germline.
Comment: This variant is not present in population databases (gnomAD no frequency). This sequence change replaces valine, which is neutral and non-polar, with leucine, which is neutral and non-polar, at codon 1014 of the MSH3 protein (p.Val1014Leu). This variant has not been reported in the literature in individuals affected with MSH3-related conditions. ClinVar contains an entry for this variant (Variation ID: 1389388). Algorithms developed to predict the effect of missense changes on protein structure and function (SIFT, PolyPhen-2, Align-GVGD) all suggest that this variant is likely to be tolerated. In summary, the available evidence is currently insufficient to determine the role of this variant in disease. Therefore, it has been classified as a Variant of Uncertain Significance.

NM_002439.5(MSH3):c.3040G>C (p.Val1014Leu)

Gene: MSH3 (mutS homolog 3; plus strand). Cytogenetic location: 5q14.1.
Variant type: single nucleotide variant.
Coding change: c.3040G>C on transcript NM_002439.5 (MANE Select); coding-DNA position 3040, G replaced by C.
Protein change: p.Val1014Leu; replaces valine 1014 with leucine.
Molecular consequence: missense variant.
Genome position (GRCh38, 1-based): chr5:80,864,852, G>C. VCF-style: chr5-80864852-G-C. GRCh37 (hg19) VCF-style: chr5-80160671-G-C.
Other names: short protein forms V1014L.
Identifiers: ClinVar variation 1389388 (VCV001389388.6), dbSNP rs1746073377, ClinGen allele CA360346184.